The following is an entry in ClinVar:

NM_024757.5(EHMT1):c.1602dup (p.Leu535fs)

Genes: EHMT1 (euchromatic histone lysine methyltransferase 1; plus strand), LOC130003148 (ATAC-STARR-seq lymphoblastoid active region 29369; plus strand). Cytogenetic location: 9q34.3.
Variant type: Duplication.
Coding change: c.1602dup on transcript NM_024757.5 (MANE Select); coding-DNA position 1602, one base duplicated (A; older notation c.1602dupA).
Protein change: p.Leu535fs; shifts the reading frame from leucine 535.
Molecular consequence: frameshift variant.
Genome position (GRCh38, 1-based): chr9:137,762,775, A duplicated. VCF-style (leftmost placement, unchanged base first): chr9-137762774-C-CA. GRCh37 (hg19) VCF-style: chr9-140657226-C-CA.
Other names: c.1602dupA (NM_024757.4); c.1602dup, p.Leu535fs (NM_001145527.2, NM_001354611.2); c.1509dup, p.Leu504fs (NM_001354259.2, NM_001354612.2); c.1581dup, p.Leu528fs (NM_001354263.2); short protein forms L535fs, L528fs, L504fs.
Identifiers: ClinVar variation 503816 (VCV000503816.2), dbSNP rs1554871182, ClinGen allele CA658797393.

ClinVar aggregate classification (germline): Pathogenic (1 of 4 stars; one submission).

Submission:

GeneDx
Classification: Pathogenic. Last evaluated: 2017-11-17. Review status: criteria provided, single submitter. Criteria: GeneDx Variant Classification (06012015). Collection method: clinical testing. Allele origin: germline. Affected: yes.
Comment: The c.1602dupA variant in the EHMT1 gene has not been reported previously as a pathogenic variant nor as a benign variant, to our knowledge. The c.1602dupA variant causes a frameshift starting with codon Leucine 535, changes this amino acid to a Threonine residue, and creates a premature Stop codon at position 15 of the new reading frame, denoted p.Leu535ThrfsX15. This variant is predicted to cause loss of normal protein function either through protein truncation or nonsense-mediated mRNA decay. The c.1602dupA variant is not observed in large population cohorts (Lek et al., 2016). We interpret c.1602dupA as a pathogenic variant.